The following continues an entry in ClinVar:

NM_000492.4(CFTR):c.2173G>A (p.Glu725Lys)

Gene: CFTR. ClinVar aggregate classification (germline): Conflicting classifications of pathogenicity. Pathogenic (2); Likely pathogenic (1); Uncertain significance (10).

Submissions 9 to 15 of 15:

ARUP Laboratories, Molecular Genetics and Genomics, ARUP Laboratories
Classification: Uncertain significance. Last evaluated: 2021-02-19. Review status: criteria provided, single submitter. Criteria: ARUP Molecular Germline Variant Investigation Process 2021. Collection method: clinical testing. Allele origin: germline.
Comment: The CFTR c.2173G>A; p.Glu725Lys variant (rs199791061) has been described in patients with cystic fibrosis, but without strong evidence for pathogenicity (des Georges 2004, Kanavakis 2003). This variant has also been reported in the heterozygous state in one individual with suboptimal fertility and one individual affected with hypertrypsinemia (Gene 2008, Larriba 2005). This variant is also reported in ClinVar (Variation ID: 53448). This variant is found in the general population with an overall allele frequency of 0.009% (28/282634 alleles) in the Genome Aggregation Database. The glutamic acid at codon 725 is moderately conserved, computational analyses predict that this variant is deleterious (REVEL: 0.77). However, given the lack of clinical and functional data, the significance of the p.Glu725Lys variant is uncertain at this time. References: Des Georges M et al. High heterogeneity of CFTR mutations and unexpected low incidence of cystic fibrosis in the Mediterranean France. J Cyst Fibros. 2004 Dec;3(4):265-72. Gene G et al. N-terminal CFTR missense variants severely affect the behavior of the CFTR chloride channel. Hum Mutat. 2008 May;29(5):738-49. Kanavakis E et al. Cystic fibrosis in Greece: molecular diagnosis, haplotypes, prenatal diagnosis and carrier identification amongst high-risk individuals. Clin Genet. 2003 May;63(5):400-9. Larriba S et al. Molecular evaluation of CFTR sequence variants in male infertility of testicular origin. Int J Androl. 2005 Oct;28(5):284-90.

CeGaT Center for Human Genetics Tuebingen
Classification: Pathogenic. Last evaluated: 2020-12-01. Review status: criteria provided, single submitter. Criteria: CeGaT Center For Human Genetics Tuebingen Variant Classification Criteria Version 2. Collection method: clinical testing. Allele origin: germline. Affected: yes. Observed: 1 variant allele.

CFTR-France
Classification: Pathogenic for CFTR-related disorders. Last evaluated: 2018-03-26. Review status: criteria provided, single submitter. Criteria: Claustres M et al. (Hum Mutat 2017). Collection method: curation. Allele origin: germline. Affected: yes.

Illumina Laboratory Services, Illumina
Classification: Uncertain significance for CFTR-Related Disorders. Last evaluated: 2017-04-27. Review status: criteria provided, single submitter. Criteria: ICSL Variant Classification Criteria 13 December 2019. Collection method: clinical testing. Allele origin: germline.
Comment: This variant was observed as part of a predisposition screen in an ostensibly healthy population. A literature search was performed for the gene, cDNA change, and amino acid change (where applicable). Publications were found based on this search. However, the evidence from the literature, in combination with allele frequency data from public databases where available, was not sufficient to rule this variant in or out of causing disease. Therefore, this variant is classified as a variant of unknown significance.

Eurofins Ntd Llc (ga)
Classification: Uncertain significance. Last evaluated: 2016-12-27. Review status: criteria provided, single submitter. Criteria: EGL Classification Definitions 2015. Collection method: clinical testing. Allele origin: germline. Observed: 2 variant alleles, 2 heterozygotes.

Natera, Inc.
Classification: Uncertain significance for CFTR-related disorders. Last evaluated: 2018-05-08. Review status: no assertion criteria provided. Collection method: clinical testing. Allele origin: germline. Not counted in ClinVar's aggregate classification.

ClinVar Staff, National Center for Biotechnology Information (NCBI)
No classification provided. Condition: CFTR-related disorders. Review status: no classification provided. Collection method: literature only. Allele origin: germline. Affected: yes. Not counted in ClinVar's aggregate classification.

Literature cited by the submitters: PubMed 18687795 (cited by Women's Health and Genetics/Laboratory Corporation of America, LabCorp); PubMed 16128988 (cited by Women's Health and Genetics/Laboratory Corporation of America, LabCorp and Ambry Genetics); PubMed 18306312 (cited by 3 submitters); PubMed 12752573 (cited by 3 submitters); PubMed 15698946 (cited by 5 submitters); PubMed 11950844 (cited by Women's Health and Genetics/Laboratory Corporation of America, LabCorp); PubMed 12361483 (cited by Women's Health and Genetics/Laboratory Corporation of America, LabCorp); PubMed 11504857 (cited by Women's Health and Genetics/Laboratory Corporation of America, LabCorp); PubMed 25735457 (cited by Women's Health and Genetics/Laboratory Corporation of America, LabCorp); PubMed 28603918 (cited by Women's Health and Genetics/Laboratory Corporation of America, LabCorp and Ambry Genetics); PubMed 26990548 (cited by Women's Health and Genetics/Laboratory Corporation of America, LabCorp); PubMed 29589582 (cited by Women's Health and Genetics/Laboratory Corporation of America, LabCorp); PubMed 30420730 (cited by Women's Health and Genetics/Laboratory Corporation of America, LabCorp and Ambry Genetics); PubMed 27311679 (cited by Women's Health and Genetics/Laboratory Corporation of America, LabCorp); PubMed 17719933 (cited by Women's Health and Genetics/Laboratory Corporation of America, LabCorp and Ambry Genetics); PubMed 31674704 (cited by Women's Health and Genetics/Laboratory Corporation of America, LabCorp); PubMed 24762087 (cited by Women's Health and Genetics/Laboratory Corporation of America, LabCorp); PubMed 34426522 (cited by Women's Health and Genetics/Laboratory Corporation of America, LabCorp); PubMed 34996830 (cited by Women's Health and Genetics/Laboratory Corporation of America, LabCorp); PubMed 27195969 (cited by Women's Health and Genetics/Laboratory Corporation of America, LabCorp); PubMed 35626323 (cited by Women's Health and Genetics/Laboratory Corporation of America, LabCorp); PubMed 32734384 (cited by Women's Health and Genetics/Laboratory Corporation of America, LabCorp); PubMed 11001817 (cited by Women's Health and Genetics/Laboratory Corporation of America, LabCorp).